The following is an entry in ClinVar:

NM_004204.5(PIGQ):c.890A>C (p.His297Pro)

Gene: PIGQ (phosphatidylinositol glycan anchor biosynthesis class Q; plus strand). Cytogenetic location: 16p13.3.
Variant type: single nucleotide variant.
Coding change: c.890A>C on transcript NM_004204.5 (MANE Select); coding-DNA position 890, A replaced by C.
Protein change: p.His297Pro; replaces histidine 297 with proline.
Molecular consequence: missense variant.
Genome position (GRCh38, 1-based): chr16:576,202, A>C. VCF-style: chr16-576202-A-C. GRCh37 (hg19) VCF-style: chr16-626202-A-C.
Other names: c.890A>C, p.His297Pro (NM_148920.4); c.890A>C (NM_148920.1); short protein forms H297P.
Identifiers: ClinVar variation 1491861 (VCV001491861.6), dbSNP rs1479438663, ClinGen allele CA394052613.

ClinVar aggregate classification (germline): Uncertain significance. Review status: criteria provided, multiple submitters, no conflicts (2 of 4 stars). 2 submissions from 2 submitters: Uncertain significance (2). Last evaluated 2024-12-21.

Conditions:
Epilepsy. Also called: Seizure disorder. Identifiers: MedGen C0014544, MeSH D004827, MONDO:0005027.
Inborn genetic diseases. Identifiers: MedGen C0950123, MeSH D030342.

Allele frequency attached by ClinVar (database versions not stated): gnomAD 0.00001; gnomAD exomes 0.00001; TOPMed 0.00001.
gnomAD v4.1: 24 of 1,550,206 alleles (0.0015%); highest among the groups gnomAD compares: Non-Finnish European, 0.0019%; no homozygotes.

Submissions (2):

Ambry Genetics
Classification: Uncertain significance for Inborn genetic diseases. Last evaluated: 2024-12-21. Review status: criteria provided, single submitter. Criteria: Ambry Variant Classification Scheme 2023. Collection method: clinical testing. Allele origin: germline.

Labcorp Genetics (formerly Invitae), Labcorp
Classification: Uncertain significance for Epilepsy. Last evaluated: 2022-07-05. Review status: criteria provided, single submitter. Criteria: Invitae Variant Classification Sherloc (09022015). Collection method: clinical testing. Allele origin: germline.
Comment: This sequence change replaces histidine, which is basic and polar, with proline, which is neutral and non-polar, at codon 297 of the PIGQ protein (p.His297Pro). This variant is present in population databases (no rsID available, gnomAD 0.002%). This variant has not been reported in the literature in individuals affected with PIGQ-related conditions. ClinVar contains an entry for this variant (Variation ID: 1491861). Algorithms developed to predict the effect of missense changes on protein structure and function (SIFT, PolyPhen-2, Align-GVGD) all suggest that this variant is likely to be tolerated. In summary, the available evidence is currently insufficient to determine the role of this variant in disease. Therefore, it has been classified as a Variant of Uncertain Significance.